The following is an entry in ClinVar:

ClinVar aggregate classification (germline): Uncertain significance (1 of 4 stars; one submission).

Submission:

Labcorp Genetics (formerly Invitae), Labcorp
Classification: Uncertain significance. Last evaluated: 2023-06-15. Review status: criteria provided, single submitter. Criteria: Invitae Variant Classification Sherloc (09022015). Collection method: clinical testing. Allele origin: germline.
Comment: An algorithm developed to predict the effect of missense changes on protein structure and function (PolyPhen-2) suggests that this variant is likely to be tolerated. In summary, the available evidence is currently insufficient to determine the role of this variant in disease. Therefore, it has been classified as a Variant of Uncertain Significance. This sequence change replaces tyrosine, which is neutral and polar, with phenylalanine, which is neutral and non-polar, at codon 1122 of the PUM1 protein (p.Tyr1122Phe). This variant is not present in population databases (gnomAD no frequency). This variant has not been reported in the literature in individuals affected with PUM1-related conditions.

NM_001020658.2(PUM1):c.3365A>T (p.Tyr1122Phe)

Gene: PUM1 (pumilio RNA binding family member 1; minus strand). Cytogenetic location: 1p35.2.
Variant type: single nucleotide variant.
Coding change: c.3365A>T on transcript NM_001020658.2 (MANE Select); coding-DNA position 3365, A replaced by T.
Protein change: p.Tyr1122Phe; replaces tyrosine 1122 with phenylalanine.
Molecular consequence: missense variant.
Genome position (GRCh38, 1-based): chr1:30,936,713, T>A on the plus strand (A>T on the coding strand, the complement: PUM1 is on the minus strand). VCF-style: chr1-30936713-T-A. GRCh37 (hg19) VCF-style: chr1-31409560-T-A.
Other names: c.3359A>T, p.Tyr1120Phe (NM_014676.3); short protein forms Y1120F, Y1122F.
Identifiers: ClinVar variation 2901483 (VCV002901483.3), dbSNP rs2521277340, ClinGen allele CA339560285.